The following is an entry in ClinVar:

ClinVar aggregate classification (germline): Conflicting classifications of pathogenicity. Review status: criteria provided, conflicting classifications (1 of 4 stars). 2 submissions from 2 submitters: Uncertain significance (1); Likely benign (1). Last evaluated 2024-10-20.

gnomAD v4.1: 246 of 1,610,942 alleles (0.015%); highest among the groups gnomAD compares: Non-Finnish European, 0.02%; no homozygotes.

Submissions (2):

Ambry Genetics
Classification: Uncertain significance. Last evaluated: 2024-10-20. Review status: criteria provided, single submitter. Criteria: Ambry Variant Classification Scheme 2023. Collection method: clinical testing. Allele origin: germline.

CeGaT Center for Human Genetics Tuebingen
Classification: Likely benign. Last evaluated: 2024-09-01. Review status: criteria provided, single submitter. Criteria: CeGaT Center For Human Genetics Tuebingen Variant Classification Criteria Version 2. Collection method: clinical testing. Allele origin: germline. Affected: yes. Observed: 1 variant allele.
Comment: PIWIL2: BP4

NM_018068.5(PIWIL2):c.274A>G (p.Met92Val)

Gene: PIWIL2 (piwi like RNA-mediated gene silencing 2; plus strand). Cytogenetic location: 8p21.3.
Variant type: single nucleotide variant.
Coding change: c.274A>G on transcript NM_018068.5 (MANE Select); coding-DNA position 274, A replaced by G.
Protein change: p.Met92Val; replaces methionine 92 with valine.
Molecular consequence: missense variant.
Genome position (GRCh38, 1-based): chr8:22,281,195, A>G. VCF-style: chr8-22281195-A-G. GRCh37 (hg19) VCF-style: chr8-22138708-A-G.
Other names: c.274A>G (NM_001135721.1); c.274A>G, p.Met92Val (NM_001135721.3, NM_001330480.2); short protein forms M92V.
Identifiers: ClinVar variation 3388663 (VCV003388663.15).